The following is an entry in ClinVar:

NM_001267550.2(TTN):c.26599G>A (p.Gly8867Arg)

Gene: TTN (titin; minus strand). Cytogenetic location: 2q31.2.
Variant type: single nucleotide variant.
Coding change: c.26599G>A on transcript NM_001267550.2 (MANE Select); coding-DNA position 26599, G replaced by A.
Protein change: p.Gly8867Arg; replaces glycine 8867 with arginine.
Molecular consequence: missense variant. On other transcripts: intron variant (3).
Genome position (GRCh38, 1-based): chr2:178,714,059, C>T on the plus strand (G>A on the coding strand, the complement: TTN is on the minus strand). VCF-style: chr2-178714059-C-T. GRCh37 (hg19) VCF-style: chr2-179578786-C-T.
Other names: p.Gly8550Arg; c.25648G>A, p.Gly8550Arg (NM_001256850.1); c.22867G>A, p.Gly7623Arg (NM_133378.4); c.13282+24023G>A (NM_003319.4); c.13858+24023G>A (NM_133437.4); c.13657+24023G>A (NM_133432.3); short protein forms G7623R, G8867R, G8550R.
Identifiers: ClinVar variation 618461 (VCV000618461.19), dbSNP rs762113080, ClinGen allele CA1999964.

ClinVar aggregate classification (germline): Conflicting classifications of pathogenicity. Review status: criteria provided, conflicting classifications (1 of 4 stars). 6 submissions from 6 submitters: Uncertain significance (5); Likely benign (1). Last evaluated 2026-04-17.

Conditions:
TTN-related disorder. Also called: TTN-related condition; TTN-related disease; TTN-related disorders.

Allele frequency attached by ClinVar (database versions not stated): gnomAD 0.00002 and 0.00001; gnomAD exomes 0.00002 and 0.00006; ExAC 0.00003; TOPMed 0.00003.
gnomAD v4.1: 87 of 1,613,460 alleles (0.0054%); highest among the groups gnomAD compares: Non-Finnish European, 0.0074%; no homozygotes.

Submissions (6):

PreventionGenetics, part of Exact Sciences
Classification: Uncertain significance for TTN-related condition. Last evaluated: 2026-04-17. Review status: criteria provided, single submitter. Criteria: ACMG Guidelines, 2015. Collection method: clinical testing. Allele origin: germline.
Comment: The TTN c.26599G>A variant is predicted to result in the amino acid substitution p.Gly8867Arg. This variant has not been reported in the literature in individuals with TTN-related disorders. This variant is reported in 0.0055% of alleles in individuals of European (Non-Finnish) descent in gnomAD and has conflicting interpretations regarding its pathogenicity in ClinVar, ranging from likely benign to uncertain (Variation ID: 618461). At this time, the clinical significance of this variant is uncertain due to the absence of conclusive functional and genetic evidence.

Revvity Omics, Revvity
Classification: Uncertain significance. Last evaluated: 2024-11-04. Review status: criteria provided, single submitter. Criteria: ACMG Guidelines, 2015. Collection method: clinical testing. Allele origin: germline.

Blueprint Genetics
Classification: Uncertain significance. Last evaluated: 2022-11-15. Review status: criteria provided, single submitter. Criteria: ACMG Guidelines, 2015. Collection method: clinical testing. Allele origin: germline.

Mayo Clinic Laboratories, Mayo Clinic
Classification: Uncertain significance. Last evaluated: 2021-11-17. Review status: criteria provided, single submitter. Criteria: ACMG Guidelines, 2015. Collection method: clinical testing. Allele origin: germline.

GeneDx
Classification: Likely benign. Last evaluated: 2020-10-23. Review status: criteria provided, single submitter. Criteria: GeneDx Variant Classification Process June 2021. Collection method: clinical testing. Allele origin: germline. Affected: yes.

ARUP Laboratories, Molecular Genetics and Genomics, ARUP Laboratories
Classification: Uncertain significance. Last evaluated: 2018-05-18. Review status: criteria provided, single submitter. Criteria: ARUP Molecular Germline Variant Investigation Process. Collection method: clinical testing. Allele origin: germline.
Comment: The TTN c.22867G>A; p.Gly7623Arg variant is rare in the general population (<1% allele frequency in the Genome Aggregation Database) and have not been reported in the medical literature in association with dilated cardiomyopathy (DCM) or other TTN-related disease. The clinical relevance of rare missense variants in this gene, which are identified on average once per individual sequenced in affected populations (Herman 2012), is not well understood. While the clinical significance of such variants is considered uncertain, evidence suggests that the vast majority of missense variants do not contribute to the clinical outcome of DCM (Begay 2015). Given the available evidence, the clinical significance of the c.22867G>A; p.Gly7623Arg variant cannot be determined with certainty.